The following is an entry in ClinVar:

ClinVar aggregate classification (germline): Uncertain significance (1 of 4 stars; one submission).

Conditions:
Supravalvar aortic stenosis (SVAS). Also called: Supravalvar aortic stenosis, Eisenberg type. Identifiers: Orphanet 3193, MedGen C0003499, MONDO:0008504, OMIM 185500, HP:0004381.

Submission:

Labcorp Genetics (formerly Invitae), Labcorp
Classification: Uncertain significance for Supravalvar aortic stenosis. Last evaluated: 2022-10-25. Review status: criteria provided, single submitter. Criteria: Invitae Variant Classification Sherloc (09022015). Collection method: clinical testing. Allele origin: germline.
Comment: This variant is present in population databases (rs782112327, gnomAD 0.006%). This variant, c.1757_1783del, results in the deletion of 9 amino acid(s) of the ELN protein (p.Val586_Gly594del), but otherwise preserves the integrity of the reading frame. This variant has not been reported in the literature in individuals affected with ELN-related conditions. Experimental studies and prediction algorithms are not available or were not evaluated, and the functional significance of this variant is currently unknown. In summary, the available evidence is currently insufficient to determine the role of this variant in disease. Therefore, it has been classified as a Variant of Uncertain Significance.

NM_000501.4(ELN):c.1670_1696del (p.Val557_Gly565del)

Genes: ELN (elastin; plus strand), ELN-AS1 (ELN antisense RNA 1; minus strand). Cytogenetic location: 7q11.23.
Variant type: Deletion.
Coding change: c.1670_1696del on transcript NM_000501.4 (MANE Select); coding-DNA positions 1670 to 1696, 27 bases deleted (TCGGCGTCCCTGGACTTGGAGTTGGTG).
Protein change: p.Val557_Gly565del.
Molecular consequence: inframe deletion.
Genome position (GRCh38, 1-based): chr7:74,060,424-74,060,450, TCGGCGTCCCTGGACTTGGAGTTGGTG deleted; deleting any 27 consecutive bases within chr7:74,060,403-74,060,450 gives the same sequence; the c. name uses the placement nearest the transcript's 3' end. VCF-style (leftmost placement, unchanged base first): chr7-74060402-ATCCCTGGACTTGGAGTTGGTGTCGGCG-A. GRCh37 (hg19) VCF-style: chr7-73474732-ATCCCTGGACTTGGAGTTGGTGTCGGCG-A.
Other names: c.1583_1609del, p.Val528_Gly536del (NM_001081752.3); c.1628_1654del, p.Val543_Gly551del (NM_001081753.3); c.1685_1711del, p.Val562_Gly570del (NM_001081754.3); c.1613_1639del, p.Val538_Gly546del (NM_001081755.3); c.1670_1696del, p.Val557_Gly565del (NM_001278912.2); c.1427_1453del, p.Val476_Gly484del (NM_001278913.2); c.1598_1624del, p.Val533_Gly541del (NM_001278914.2); c.1688_1714del, p.Val563_Gly571del (NM_001278915.2); and 4 more.
Identifiers: ClinVar variation 2141883 (VCV002141883.4), dbSNP rs782112327, ClinGen allele CA4293150.
Genomic context (GRCh38, chr7:74,060,402, plus strand): 5'-GCCTGCTGTCGCCACCACTGCCCTCTGTCTGCAGGAGCTGCAGCTGGGCTTGGTGCTGGC[ATCCCTGGACTTGGAGTTGGTGTCGGCG>A]TCCCTGGACTTGGAGTTGGTGCTGGTGTTCCTGGACTTGGAGTTGGTGCTGGTGTTCCTG-3'